The following is an entry in ClinVar:

NM_016188.5(ACTL6B):c.1027G>T (p.Gly343Trp)

Gene: ACTL6B (actin like 6B; minus strand). Cytogenetic location: 7q22.1.
Variant type: single nucleotide variant.
Coding change: c.1027G>T on transcript NM_016188.5 (MANE Select); coding-DNA position 1027, G replaced by T.
Protein change: p.Gly343Trp; replaces glycine 343 with tryptophan.
Molecular consequence: missense variant. On other transcripts: non-coding transcript variant (1).
Genome position (GRCh38, 1-based): chr7:100,646,637, C>A on the plus strand (G>T on the coding strand, the complement: ACTL6B is on the minus strand). VCF-style: chr7-100646637-C-A. GRCh37 (hg19) VCF-style: chr7-100244260-C-A.
Other names: c.1027G>T (NM_016188.4); short protein forms G343W.
Identifiers: ClinVar variation 1705593 (VCV001705593.25), dbSNP rs1131692228, ClinGen allele CA368542362.

ClinVar aggregate classification (germline): Likely pathogenic. Review status: criteria provided, single submitter (1 of 4 stars). 2 submissions from 2 submitters: Likely pathogenic (1). 1 of the submissions does not count toward it. Last evaluated 2022-09-01.

Conditions:
Intellectual developmental disorder with severe speech and ambulation defects. Identifiers: MedGen C5193115, MONDO:0032770, OMIM 618470.

Submissions (2):

3billion
Classification: Likely pathogenic for Intellectual developmental disorder with severe speech and ambulation defects. Last evaluated: 2022-09-01. Review status: criteria provided, single submitter. Criteria: ACMG Guidelines, 2015. Collection method: clinical testing. Allele origin: germline. Affected: yes. Observed: 1 heterozygote.
Comment: The variant is not observed in the gnomAD v2.1.1 dataset. Missense changes are a common disease-causing mechanism. In silico tool predictions suggest damaging effect of the variant on gene or gene product (REVEL: 0.81; 3Cnet: 0.63). A different missense change at the same codon (p.Gly343Arg) has been reported as pathogenic/likely pathogenic with strong evidence (ClinVar ID: VCV000430804). Therefore, this variant is classified as Likely pathogenic according to the recommendation of ACMG/AMP guideline.

Houlden Lab, UCL Institute of Neurology
Classification: Pathogenic for Intellectual developmental disorder with severe speech and ambulation defects. Review status: no assertion criteria provided. Collection method: research. Allele origin: de novo. Affected: yes. Observed: 1 variant allele. Not counted in ClinVar's aggregate classification.